The following is an entry in ClinVar:

NM_006493.4(CLN5):c.768T>G (p.Tyr256Ter)

Gene: CLN5 (CLN5 lysosomal BMP synthase; plus strand). Cytogenetic location: 13q22.3.
Variant type: single nucleotide variant.
Coding change: c.768T>G on transcript NM_006493.4 (MANE Select); coding-DNA position 768, T replaced by G.
Protein change: p.Tyr256Ter; replaces tyrosine 256 with a stop codon.
Molecular consequence: nonsense. On other transcripts: 3 prime UTR variant (1).
Genome position (GRCh38, 1-based): chr13:77,000,660, T>G. VCF-style: chr13-77000660-T-G. GRCh37 (hg19) VCF-style: chr13-77574795-T-G.
Other names: c.*217T>G (NM_001366624.2); short protein forms Y305*, Y256*.
Identifiers: ClinVar variation 2743254 (VCV002743254.3), dbSNP rs2501156038, ClinGen allele CA388313029.

ClinVar aggregate classification (germline): Pathogenic (1 of 4 stars; one submission).

Conditions:
Neuronal ceroid lipofuscinosis. Also called: Neuronal Ceroid Lipofuscinoses. Identifiers: Orphanet 216, Orphanet 79263, MedGen C0027877, MONDO:0016295. Disease mechanism: loss of function.

Submission:

Labcorp Genetics (formerly Invitae), Labcorp
Classification: Pathogenic for Neuronal ceroid lipofuscinosis. Last evaluated: 2023-07-14. Review status: criteria provided, single submitter. Criteria: Invitae Variant Classification Sherloc (09022015). Collection method: clinical testing. Allele origin: germline.
Comment: This sequence change creates a premature translational stop signal (p.Tyr305*) in the CLN5 gene. While this is not anticipated to result in nonsense mediated decay, it is expected to disrupt the last 103 amino acid(s) of the CLN5 protein. This variant is not present in population databases (gnomAD no frequency). This variant has not been reported in the literature in individuals affected with CLN5-related conditions. This variant disrupts a region of the CLN5 protein in which other variant(s) (p.Tyr392*) have been determined to be pathogenic (PMID: 9662406; Invitae). This suggests that this is a clinically significant region of the protein, and that variants that disrupt it are likely to be disease-causing. For these reasons, this variant has been classified as Pathogenic.

Literature cited by the submitters: PubMed 9662406.